The following is an entry in ClinVar:

NM_000535.7(PMS2):c.2117A>G (p.Lys706Arg)

Gene: PMS2 (PMS1 homolog 2, mismatch repair system component; minus strand). Cytogenetic location: 7p22.1.
Variant type: single nucleotide variant.
Coding change: c.2117A>G on transcript NM_000535.7 (MANE Select); coding-DNA position 2117, A replaced by G.
Protein change: p.Lys706Arg; replaces lysine 706 with arginine.
Molecular consequence: missense variant. On other transcripts: non-coding transcript variant (1), intron variant (4).
Genome position (GRCh38, 1-based): chr7:5,982,881, T>C on the plus strand (A>G on the coding strand, the complement: PMS2 is on the minus strand). VCF-style: chr7-5982881-T-C. GRCh37 (hg19) VCF-style: chr7-6022512-T-C.
Other names: c.1712A>G, p.Lys571Arg (NM_001018040.1, NM_001322003.2, NM_001322004.2 and 15 more transcripts); c.1961A>G, p.Lys654Arg (NM_001322006.2, NM_001406870.1); c.1799A>G, p.Lys600Arg (NM_001322007.2, NM_001322008.2, NM_001406876.1 and 1 more transcripts); c.1556A>G, p.Lys519Arg (NM_001322010.2, NM_001406906.1, NM_001406907.1); c.1184A>G, p.Lys395Arg (NM_001322011.2, NM_001322012.2); c.1544A>G, p.Lys515Arg (NM_001322013.2, NM_001406909.1); c.2117A>G, p.Lys706Arg (NM_001322014.2, NM_001406871.1); c.1808A>G, p.Lys603Arg (NM_001322015.2, NM_001406875.1, NM_001406877.1 and 5 more transcripts); and 16 more; short protein forms K305R, K395R, K449R, K571R, K598R, K600R, K603R, K650R.
Identifiers: ClinVar variation 2562211 (VCV002562211.2), dbSNP rs2535537010, ClinGen allele CA366737960.

ClinVar aggregate classification (germline): Uncertain significance (1 of 4 stars; one submission).

Conditions:
Hereditary cancer-predisposing syndrome. Also called: Neoplastic Syndromes, Hereditary; Hereditary Cancer Syndrome; Hereditary neoplastic syndrome; Tumor predisposition. Identifiers: Orphanet 140162, MedGen C0027672, MeSH D009386, MONDO:0015356.

Submission:

Ambry Genetics
Classification: Uncertain significance for Hereditary cancer-predisposing syndrome. Last evaluated: 2023-05-05. Review status: criteria provided, single submitter. Criteria: Ambry Variant Classification Scheme 2023. Collection method: clinical testing. Allele origin: germline.
Comment: The p.K706R variant (also known as c.2117A>G), located in coding exon 12 of the PMS2 gene, results from an A to G substitution at nucleotide position 2117. The lysine at codon 706 is replaced by arginine, an amino acid with highly similar properties. This amino acid position is conserved. In addition, this alteration is predicted to be deleterious by in silico analysis. Since supporting evidence is limited at this time, the clinical significance of this alteration remains unclear.